The following is an entry in ClinVar:

ClinVar aggregate classification (germline): Uncertain significance (1 of 4 stars; one submission).

Conditions:
Metachromatic leukodystrophy (MLD). Also called: ARSA DEFICIENCY; CEREBROSIDE SULFATASE DEFICIENCY; METACHROMATIC LEUKOENCEPHALOPATHY; Cerebral sclerosis diffuse metachromatic form; Arylsulfatase A Deficiency; SULFATIDE LIPIDOSIS. Identifiers: Orphanet 512, MedGen C0023522, MONDO:0018868, OMIM 250100.

Submission:

Laboratory of Experimental Gene Therapy of Hereditary Metabolic Diseases, Research Centre for Medical Genetics
Classification: Uncertain significance for Metachromatic leukodystrophy. Last evaluated: 2026-09-17. Review status: criteria provided, single submitter. Criteria: ARSA MLD Assertion Criteria V2 2026 09 18. Collection method: clinical testing. Allele origin: germline. Inheritance: Autosomal recessive inheritance. Observed: 2 variant alleles, 1 heterozygote, 1 homozygote.
Comment: Reassessed under ACMG/AMP 2015 with ClinGen SVI refinements and a Bayesian point framework (supporting=1, moderate=2, strong=4, very strong=8; 6-9 points=likely pathogenic; >=10 points=pathogenic). Final score: 3. Evidence applied: PM2_Supporting, PM4_Moderate. Observations from the present referral series were excluded from classification.

NM_000487.6(ARSA):c.113_130dup (p.His43_Pro44insLeuGlyCysTyrGlyHis)

Gene: ARSA (arylsulfatase A; minus strand). Cytogenetic location: 22q13.33.
Variant type: Duplication.
Coding change: c.113_130dup on transcript NM_000487.6 (MANE Select); coding-DNA positions 113 to 130, 18 bases duplicated (TGGGCTGCTATGGGCACC).
Protein change: p.His43_Pro44insLeuGlyCysTyrGlyHis.
Molecular consequence: inframe insertion. On other transcripts: intron variant (2).
Genome position (GRCh38, 1-based): chr22:50,627,650-50,627,667, GGTGCCCATAGCAGCCCA duplicated on the plus strand (TGGGCTGCTATGGGCACC on the coding strand, the reverse complement: ARSA is on the minus strand); duplicating any 18 consecutive bases within chr22:50,627,650-50,627,670 gives the same sequence; the c. name uses the placement nearest the transcript's 3' end. VCF-style (leftmost placement, unchanged base first): chr22-50627649-G-GGGTGCCCATAGCAGCCCA. GRCh37 (hg19) VCF-style: chr22-51066077-G-GGGTGCCCATAGCAGCCCA.
Other names: NP_000478.3:p.(Leu38_His43dup); c.113_130dup, p.His43_Pro44insLeuGlyCysTyrGlyHis (NM_001085425.3, NM_001085426.3, NM_001085427.3); c.-34-261_-34-244dup (NM_001362782.2, NM_001085428.3).
Identifiers: ClinVar variation 4850928 (VCV004850928.2).